The following is an entry in ClinVar:

ClinVar aggregate classification (germline): Conflicting classifications of pathogenicity. Review status: criteria provided, conflicting classifications (1 of 4 stars). 8 submissions from 8 submitters: Uncertain significance (2); Benign (1); Likely benign (5). Last evaluated 2025-12-08.

Conditions:
Hereditary cancer-predisposing syndrome. Also called: Tumor predisposition; Neoplastic Syndromes, Hereditary; Hereditary Cancer Syndrome; Hereditary neoplastic syndrome. Identifiers: Orphanet 140162, MedGen C0027672, MeSH D009386, MONDO:0015356.
Peutz-Jeghers syndrome (PJS). Also called: Peutz-Jeghers polyposis; Periorificial lentiginosis syndrome; POLYPOSIS, HAMARTOMATOUS INTESTINAL; POLYPS-AND-SPOTS SYNDROME. Identifiers: Orphanet 2869, MedGen C0031269, MeSH D010580, MONDO:0008280, OMIM 175200.

Allele frequency attached by ClinVar (database versions not stated): gnomAD exomes 0.00001; ExAC 0.00002.
gnomAD v4.1: 7 of 1,612,332 alleles (0.00043%); highest among the groups gnomAD compares: East Asian, 0.0045%; no homozygotes.

Submissions (8):

Labcorp Genetics (formerly Invitae), Labcorp
Classification: Likely benign for Peutz-Jeghers syndrome. Last evaluated: 2025-12-08. Review status: criteria provided, single submitter. Criteria: Invitae Variant Classification Sherloc (09022015). Collection method: clinical testing. Allele origin: germline.

Women's Health and Genetics/Laboratory Corporation of America, LabCorp
Classification: Likely benign. Last evaluated: 2025-06-09. Review status: criteria provided, single submitter. Criteria: LabCorp Variant Classification Summary - May 2015. Collection method: clinical testing. Allele origin: germline.

Myriad Genetics, Inc.
Classification: Benign for Peutz-Jeghers syndrome. Last evaluated: 2025-03-27. Review status: criteria provided, single submitter. Criteria: Myriad Autosomal Dominant, Autosomal Recessive and X-Linked Classification Criteria (2023). Collection method: clinical testing. Allele origin: unknown.
Comment: This variant is considered benign. This variant is a silent/synonymous amino acid change and it is not expected to impact splicing.

Quest Diagnostics Nichols Institute San Juan Capistrano
Classification: Uncertain significance. Last evaluated: 2024-12-02. Review status: criteria provided, single submitter. Criteria: Quest Diagnostics criteria. Collection method: clinical testing. Allele origin: unknown.
Comment: The STK11 c.750G>A (p.Thr250=) synonymous variant has been identified in the published literature in reportedly healthy individuals (PMID: 36243179 (2022), 30287823 (2018)). The frequency of this variant in the general population (Genome Aggregation Database) is uninformative in the assessment of its pathogenicity. Analysis of this variant using software algorithms for the prediction of the effect of nucleotide changes on STK11 mRNA splicing yielded predictions that this variant may result in the gain of a cryptic splice site without affecting the natural splice sites. Based on the available information, we are unable to determine the clinical significance of this variant.

All of Us Research Program, National Institutes of Health
Classification: Likely benign for Peutz-Jeghers syndrome. Last evaluated: 2023-08-15. Review status: criteria provided, single submitter. Criteria: ACMG Guidelines, 2015. Collection method: clinical testing. Allele origin: germline. Inheritance: Autosomal dominant inheritance. Observed: 4 variant alleles, 4 heterozygotes.
Comment: This study involves interpretation of variants in research participants for the purpose of population health screening. Participant phenotype was not available at the time of variant classification. Additional details can be found in publication PMID: 35346344, PMCID: PMC8962531

Genome-Nilou Lab
Classification: Uncertain significance for Peutz-Jeghers syndrome. Last evaluated: 2021-07-15. Review status: criteria provided, single submitter. Criteria: ACMG Guidelines, 2015. Collection method: clinical testing. Allele origin: germline. Affected: no.

Ambry Genetics
Classification: Likely benign for Hereditary cancer-predisposing syndrome. Last evaluated: 2018-06-28. Review status: criteria provided, single submitter. Criteria: Ambry Variant Classification Scheme 2023. Collection method: clinical testing. Allele origin: germline.

Color Diagnostics, LLC DBA Color Health
Classification: Likely benign for Hereditary cancer-predisposing syndrome. Last evaluated: 2016-11-16. Review status: criteria provided, single submitter. Criteria: ACMG Guidelines, 2015. Collection method: clinical testing. Allele origin: germline.

Literature cited by the submitters: PubMed 30287823 (cited by Quest Diagnostics Nichols Institute San Juan Capistrano); PubMed 36243179 (cited by Quest Diagnostics Nichols Institute San Juan Capistrano).

NM_000455.5(STK11):c.750G>A (p.Thr250=)

Gene: STK11 (serine/threonine kinase 11; plus strand). Cytogenetic location: 19p13.3.
Variant type: single nucleotide variant.
Coding change: c.750G>A on transcript NM_000455.5 (MANE Select); coding-DNA position 750, G replaced by A.
Protein change: p.Thr250=; no amino-acid change (threonine 250 retained).
Molecular consequence: synonymous variant.
Genome position (GRCh38, 1-based): chr19:1,221,228, G>A. VCF-style: chr19-1221228-G-A. GRCh37 (hg19) VCF-style: chr19-1221227-G-A.
Identifiers: ClinVar variation 403769 (VCV000403769.23), dbSNP rs748112446, ClinGen allele CA048929.
Genomic context (GRCh38, chr19:1,221,228, plus strand): 5'-CCACCTTGACTGACCACGCCTTTCTTCCCTCCCCTCGAAATGAAGCTACAACATCACCAC[G>A]GGTCTGTACCCCTTCGAAGGGGACAACATCTACAAGTTGTTTGAGAACATCGGGAAGGGG-3'
Protein context (NP_000446.1, residues 240-260): SAGVTLYNIT[Thr250=]GLYPFEGDNI